The following is an entry in ClinVar:

ClinVar aggregate classification (germline): Uncertain significance (1 of 4 stars; one submission).

Conditions:
Gastrointestinal stromal tumor. Also called: Gastrointestinal stroma tumor; Gastrointestinal stromal tumor, somatic. Identifiers: Orphanet 44890, MedGen C0238198, MeSH D046152, MONDO:0011719, OMIM 606764, HP:0100723.

Submission:

Labcorp Genetics (formerly Invitae), Labcorp
Classification: Uncertain significance for Gastrointestinal stromal tumor. Last evaluated: 2024-05-08. Review status: criteria provided, single submitter. Criteria: Invitae Variant Classification Sherloc (09022015). Collection method: clinical testing. Allele origin: germline.
Comment: This sequence change replaces leucine, which is neutral and non-polar, with methionine, which is neutral and non-polar, at codon 655 of the PDGFRA protein (p.Leu655Met). This variant is not present in population databases (gnomAD no frequency). This variant has not been reported in the literature in individuals affected with PDGFRA-related conditions. ClinVar contains an entry for this variant (Variation ID: 1401999). Advanced modeling of protein sequence and biophysical properties (such as structural, functional, and spatial information, amino acid conservation, physicochemical variation, residue mobility, and thermodynamic stability) has been performed at Invitae for this missense variant, however the output from this modeling did not meet the statistical confidence thresholds required to predict the impact of this variant on PDGFRA protein function. In summary, the available evidence is currently insufficient to determine the role of this variant in disease. Therefore, it has been classified as a Variant of Uncertain Significance.

NM_006206.6(PDGFRA):c.1963T>A (p.Leu655Met)

Gene: PDGFRA (platelet derived growth factor receptor alpha; plus strand). Cytogenetic location: 4q12.
Variant type: single nucleotide variant.
Coding change: c.1963T>A on transcript NM_006206.6 (MANE Select); coding-DNA position 1963, T replaced by A.
Protein change: p.Leu655Met; replaces leucine 655 with methionine.
Molecular consequence: missense variant.
Genome position (GRCh38, 1-based): chr4:54,277,967, T>A. VCF-style: chr4-54277967-T-A. GRCh37 (hg19) VCF-style: chr4-55144134-T-A.
Other names: c.1963T>A, p.Leu655Met (NM_001347827.2, NM_001347829.2); c.2038T>A, p.Leu680Met (NM_001347828.2); c.2002T>A, p.Leu668Met (NM_001347830.2); short protein forms L680M, L655M, L668M.
Identifiers: ClinVar variation 1401999 (VCV001401999.8), dbSNP rs1279735973, ClinGen allele CA356893720.